The following is an entry in ClinVar:

NM_017827.4(SARS2):c.1018C>T (p.Arg340Trp)

Gene: SARS2 (seryl-tRNA synthetase 2, mitochondrial; minus strand). Cytogenetic location: 19q13.2.
Variant type: single nucleotide variant.
Coding change: c.1018C>T on transcript NM_017827.4 (MANE Select); coding-DNA position 1018, C replaced by T.
Protein change: p.Arg340Trp; replaces arginine 340 with tryptophan.
Molecular consequence: missense variant.
Genome position (GRCh38, 1-based): chr19:38,917,953, G>A on the plus strand (C>T on the coding strand, the complement: SARS2 is on the minus strand). VCF-style: chr19-38917953-G-A. GRCh37 (hg19) VCF-style: chr19-39408593-G-A.
Other names: c.1024C>T, p.Arg342Trp (NM_001145901.2); short protein forms R340W, R342W.
Identifiers: ClinVar variation 1989426 (VCV001989426.1), dbSNP rs765803456, ClinGen allele CA9422914.
Genomic context (GRCh38, chr19:38,917,953, plus strand): 5'-AGCCCCGTTTAGTCCCAGCGACACCAGCCTTGGTGAAGTGGTGTACTCGATACAGCCCCC[G>A]GGGTTCCTGTCCCGTGTTTGTCTCTGCCCGGTAGCAGGTGCTGGAGCAAACCATCCTGGC-3'
Protein context (NP_060297.1, residues 330-350): RAETNTGQEP[Arg340Trp]GLYRVHHFTK

ClinVar aggregate classification (germline): Uncertain significance (1 of 4 stars; one submission).

Allele frequency attached by ClinVar (database versions not stated): gnomAD exomes 0.00002; gnomAD 0.00003; TOPMed 0.00003; ExAC 0.00008.
gnomAD v4.1: 41 of 1,608,826 alleles (0.0025%); highest among the groups gnomAD compares: Non-Finnish European, 0.0019%; no homozygotes.

Submission:

Labcorp Genetics (formerly Invitae), Labcorp
Classification: Uncertain significance. Last evaluated: 2022-07-25. Review status: criteria provided, single submitter. Criteria: Invitae Variant Classification Sherloc (09022015). Collection method: clinical testing. Allele origin: germline.
Comment: This sequence change replaces arginine, which is basic and polar, with tryptophan, which is neutral and slightly polar, at codon 340 of the SARS2 protein (p.Arg340Trp). This variant is present in population databases (rs765803456, gnomAD 0.02%). This variant has not been reported in the literature in individuals affected with SARS2-related conditions. Algorithms developed to predict the effect of missense changes on protein structure and function output the following: SIFT: "Deleterious"; PolyPhen-2: "Benign"; Align-GVGD: "Class C0". The tryptophan amino acid residue is found in multiple mammalian species, which suggests that this missense change does not adversely affect protein function. In summary, the available evidence is currently insufficient to determine the role of this variant in disease. Therefore, it has been classified as a Variant of Uncertain Significance.